The following is an entry in ClinVar:

ClinVar aggregate classification (germline): Uncertain significance (1 of 4 stars; one submission).

Submission:

GeneDx
Classification: Uncertain significance. Last evaluated: 2024-08-21. Review status: criteria provided, single submitter. Criteria: GeneDx Variant Classification Process June 2021. Collection method: clinical testing. Allele origin: germline. Affected: yes.
Comment: Not observed at significant frequency in large population cohorts (gnomAD); In silico analysis indicates that this missense variant does not alter protein structure/function; Has not been previously published as pathogenic or benign to our knowledge

NM_205768.3(ZBTB18):c.980G>A (p.Arg327Lys)

Gene: ZBTB18 (zinc finger and BTB domain containing 18; plus strand). Cytogenetic location: 1q44.
Variant type: single nucleotide variant.
Coding change: c.980G>A on transcript NM_205768.3 (MANE Select); coding-DNA position 980, G replaced by A.
Protein change: p.Arg327Lys; replaces arginine 327 with lysine.
Molecular consequence: missense variant. On other transcripts: 3 prime UTR variant (1).
Genome position (GRCh38, 1-based): chr1:244,054,754, G>A. VCF-style: chr1-244054754-G-A. GRCh37 (hg19) VCF-style: chr1-244218056-G-A.
Other names: c.953G>A, p.Arg318Lys (NM_001278196.2, NM_006352.5); c.*157G>A (NM_001421566.1); short protein forms R318K, R327K.
Identifiers: ClinVar variation 3764445 (VCV003764445.1).